The following is an entry in ClinVar:

NM_006648.4(WNK2):c.6578C>G (p.Ser2193Cys)

Gene: WNK2 (WNK lysine deficient protein kinase 2; plus strand). Cytogenetic location: 9q22.31.
Variant type: single nucleotide variant.
Coding change: c.6578C>G on transcript NM_006648.4 (MANE Select); coding-DNA position 6578, C replaced by G.
Protein change: p.Ser2193Cys; replaces serine 2193 with cysteine.
Molecular consequence: missense variant.
Genome position (GRCh38, 1-based): chr9:93,317,581, C>G. VCF-style: chr9-93317581-C-G. GRCh37 (hg19) VCF-style: chr9-96079863-C-G.
Other names: c.6689C>G, p.Ser2230Cys (NM_001282394.3); short protein forms S2230C, S2193C.
Identifiers: ClinVar variation 4605361 (VCV004605361.1).

ClinVar aggregate classification (germline): Uncertain significance (1 of 4 stars; one submission).

gnomAD v4.1: 1 of 1,613,490 alleles (0.000062%); highest among the groups gnomAD compares: Non-Finnish European, 0.000085%; no homozygotes.

Submission:

Ambry Genetics
Classification: Uncertain significance. Last evaluated: 2025-11-12. Review status: criteria provided, single submitter. Criteria: Ambry Variant Classification Scheme 2023. Collection method: clinical testing. Allele origin: germline.
Comment: The p.S2193C variant (also known as c.6578C>G), located in coding exon 28 of the WNK2 gene, results from a C to G substitution at nucleotide position 6578. The serine at codon 2193 is replaced by cysteine, an amino acid with dissimilar properties. This amino acid position is conserved. In addition, this alteration is predicted to be tolerated by in silico analysis. Based on the available evidence, the clinical significance of this variant remains unclear.